The following is an entry in ClinVar:

NM_002878.4(RAD51D):c.98C>T (p.Ser33Phe)

Genes: RAD51L3-RFFL (RAD51L3-RFFL readthrough; minus strand), RAD51D (RAD51 paralog D; minus strand). Cytogenetic location: 17q12.
Variant type: single nucleotide variant.
Coding change: c.98C>T on transcript NM_002878.4 (MANE Select); coding-DNA position 98, C replaced by T.
Protein change: p.Ser33Phe; replaces serine 33 with phenylalanine.
Molecular consequence: missense variant. On other transcripts: non-coding transcript variant (2).
Genome position (GRCh38, 1-based): chr17:35,119,157, G>A on the plus strand (C>T on the coding strand, the complement: RAD51D is on the minus strand). VCF-style: chr17-35119157-G-A. GRCh37 (hg19) VCF-style: chr17-33446176-G-A.
Other names: c.98C>T, p.Ser33Phe (NM_001142571.2, NM_133629.3); short protein forms S33F.
Identifiers: ClinVar variation 3786513 (VCV003786513.1).

ClinVar aggregate classification (germline): Uncertain significance (1 of 4 stars; one submission).

Conditions:
Hereditary cancer-predisposing syndrome. Also called: Neoplastic Syndromes, Hereditary; Hereditary Cancer Syndrome; Tumor predisposition; Hereditary neoplastic syndrome. Identifiers: Orphanet 140162, MedGen C0027672, MeSH D009386, MONDO:0015356.

Submission:

Ambry Genetics
Classification: Uncertain significance for Hereditary cancer-predisposing syndrome. Last evaluated: 2025-01-19. Review status: criteria provided, single submitter. Criteria: Ambry Variant Classification Scheme 2023. Collection method: clinical testing. Allele origin: germline.
Comment: The p.S33F variant (also known as c.98C>T), located in coding exon 2 of the RAD51D gene, results from a C to T substitution at nucleotide position 98. The serine at codon 33 is replaced by phenylalanine, an amino acid with highly dissimilar properties. This amino acid position is not well conserved in available vertebrate species. In addition, this alteration is predicted to be tolerated by in silico analysis. Based on the available evidence, the clinical significance of this variant remains unclear.